The following is an entry in ClinVar:

ClinVar aggregate classification (germline): Uncertain significance (1 of 4 stars; one submission).

Conditions:
CDK13-related disorder. Also called: CDK13-related condition. Identifiers: MedGen C5816700.

gnomAD v4.1: 2 of 1,346,566 alleles (0.00015%); highest among the groups gnomAD compares: Non-Finnish European, 0.00019%; no homozygotes.

Submission:

PreventionGenetics, part of Exact Sciences
Classification: Uncertain significance for CDK13-related condition. Last evaluated: 2026-09-16. Review status: criteria provided, single submitter. Criteria: ACMG Guidelines, 2015. Collection method: clinical testing. Allele origin: germline.
Comment: The CDK13 c.20C>T variant is predicted to result in the amino acid substitution p.Thr7Met. To our knowledge, this variant has not been reported in the literature or in a large population database (gnomAD), indicating this variant is rare. At this time, the clinical significance of this variant is uncertain due to the absence of conclusive functional and genetic evidence.

NM_003718.5(CDK13):c.20C>T (p.Thr7Met)

Gene: CDK13 (cyclin dependent kinase 13; plus strand). Cytogenetic location: 7p14.1.
Variant type: single nucleotide variant.
Coding change: c.20C>T on transcript NM_003718.5 (MANE Select); coding-DNA position 20, C replaced by T.
Protein change: p.Thr7Met; replaces threonine 7 with methionine.
Molecular consequence: missense variant.
Genome position (GRCh38, 1-based): chr7:39,950,661, C>T. VCF-style: chr7-39950661-C-T. GRCh37 (hg19) VCF-style: chr7-39990260-C-T.
Other names: c.20C>T, p.Thr7Met (NM_031267.4); short protein forms T7M.
Identifiers: ClinVar variation 2635333 (VCV002635333.2), dbSNP rs1450916285, ClinGen allele CA367308223.